The following is an entry in ClinVar:

NM_033380.3(COL4A5):c.2659G>A (p.Gly887Ser)

Gene: COL4A5 (collagen type IV alpha 5 chain; plus strand). Cytogenetic location: Xq22.3.
Variant type: single nucleotide variant.
Coding change: c.2659G>A on transcript NM_033380.3 (MANE Select); coding-DNA position 2659, G replaced by A.
Protein change: p.Gly887Ser; replaces glycine 887 with serine.
Molecular consequence: missense variant.
Genome position (GRCh38, 1-based): chrX:108,620,408, G>A. VCF-style: chrX-108620408-G-A. GRCh37 (hg19) VCF-style: chrX-107863638-G-A.
Other names: c.2659G>A, p.Gly887Ser (NM_000495.5); short protein forms G887S.
Identifiers: ClinVar variation 1455953 (VCV001455953.6), dbSNP rs281874699, ClinGen allele CA413851677.

ClinVar aggregate classification (germline): Pathogenic (1 of 4 stars; one submission).

Submission:

Labcorp Genetics (formerly Invitae), Labcorp
Classification: Pathogenic. Last evaluated: 2022-02-10. Review status: criteria provided, single submitter. Criteria: Invitae Variant Classification Sherloc (09022015). Collection method: clinical testing. Allele origin: germline.
Comment: For these reasons, this variant has been classified as Pathogenic. This variant disrupts the p.Gly887 amino acid residue in COL4A5. Other variant(s) that disrupt this residue have been observed in individuals with COL4A5-related conditions (PMID: 20378821; Invitae), which suggests that this may be a clinically significant amino acid residue. This variant disrupts the triple helix domain of COL4A5. Glycine residues within the Gly-Xaa-Yaa repeats of the triple helix domain are required for the structure and stability of fibrillar collagens (PMID: 7695699, 8218237, 19344236). In COL4A5, missense variants at these glycine residues are significantly enriched in individuals with disease (PMID: 23720012, 27627812) compared to the general population (ExAC). Advanced modeling of protein sequence and biophysical properties (such as structural, functional, and spatial information, amino acid conservation, physicochemical variation, residue mobility, and thermodynamic stability) performed at Invitae indicates that this missense variant is expected to disrupt COL4A5 protein function. This missense change has been observed in individual(s) with Alport syndrome (Invitae). This variant is not present in population databases (gnomAD no frequency). This sequence change replaces glycine, which is neutral and non-polar, with serine, which is neutral and polar, at codon 887 of the COL4A5 protein (p.Gly887Ser).

Literature cited by the submitters: PubMed 20378821; PubMed 7695699; PubMed 8218237; PubMed 19344236; PubMed 23720012; PubMed 27627812.